The following is an entry in ClinVar:

ClinVar aggregate classification (germline): Benign (0 of 4 stars; one submission).

Conditions:
USP26-related disorder. Also called: USP26-related condition.

Allele frequency attached by ClinVar (database versions not stated): gnomAD exomes 0.01370; ExAC 0.02839; gnomAD 0.03443; ESP Exome Variant Server 0.03570; TOPMed 0.03742; 1000 Genomes Project 30x 0.06472; 1000 Genomes Project 0.06728.

Submission:

PreventionGenetics, part of Exact Sciences
Classification: Benign for USP26-related condition. Last evaluated: 2019-08-21. Review status: no assertion criteria provided. Collection method: clinical testing. Allele origin: germline.
Comment: This variant is classified as benign based on ACMG/AMP sequence variant interpretation guidelines (Richards et al. 2015 PMID: 25741868, with internal and published modifications).

NM_031907.3(USP26):c.494T>C (p.Leu165Ser)

Gene: USP26 (ubiquitin specific peptidase 26; minus strand). Cytogenetic location: Xq26.2.
Variant type: single nucleotide variant.
Coding change: c.494T>C on transcript NM_031907.3 (MANE Select); coding-DNA position 494, T replaced by C.
Protein change: p.Leu165Ser; replaces leucine 165 with serine.
Molecular consequence: missense variant.
Genome position (GRCh38, 1-based): chrX:133,027,727, A>G on the plus strand (T>C on the coding strand, the complement: USP26 is on the minus strand). VCF-style: chrX-133027727-A-G. GRCh37 (hg19) VCF-style: chrX-132161755-A-G.
Other names: short protein forms L165S.
Identifiers: ClinVar variation 3056932 (VCV003056932.2), dbSNP rs61741870, ClinGen allele CA10520005.